The following is an entry in ClinVar:

NM_002764.4(PRPS1):c.506C>T (p.Ser169Leu)

Gene: PRPS1 (phosphoribosyl pyrophosphate synthetase 1; plus strand). Cytogenetic location: Xq22.3.
Variant type: single nucleotide variant.
Coding change: c.506C>T on transcript NM_002764.4 (MANE Select); coding-DNA position 506, C replaced by T.
Protein change: p.Ser169Leu; replaces serine 169 with leucine.
Molecular consequence: missense variant. On other transcripts: intron variant (1).
Genome position (GRCh38, 1-based): chrX:107,642,466, C>T. VCF-style: chrX-107642466-C-T. GRCh37 (hg19) VCF-style: chrX-106885696-C-T.
Other names: c.-82-2711C>T (NM_001204402.2); short protein forms S169L.
Identifiers: ClinVar variation 2756259 (VCV002756259.4), dbSNP rs2521342152, ClinGen allele CA413810565.

ClinVar aggregate classification (germline): Pathogenic. Review status: criteria provided, multiple submitters, no conflicts (2 of 4 stars). 2 submissions from 2 submitters: Pathogenic (2). Last evaluated 2025-02-05.

Conditions:
Charcot-Marie-Tooth Neuropathy X. Identifiers: MedGen CN118851.

Submissions (2):

GeneDx
Classification: Pathogenic. Last evaluated: 2025-02-05. Review status: criteria provided, single submitter. Criteria: GeneDx Variant Classification Process June 2021. Collection method: clinical testing. Allele origin: germline. Affected: yes.
Comment: Not observed at significant frequency in large population cohorts (gnomAD); In silico analysis supports that this missense variant has a deleterious effect on protein structure/function; This variant is associated with the following publications: (PMID: 39148443)

Labcorp Genetics (formerly Invitae), Labcorp
Classification: Pathogenic for Charcot-Marie-Tooth Neuropathy X. Last evaluated: 2023-10-26. Review status: criteria provided, single submitter. Criteria: Invitae Variant Classification Sherloc (09022015). Collection method: clinical testing. Allele origin: germline.
Comment: This sequence change replaces serine, which is neutral and polar, with leucine, which is neutral and non-polar, at codon 169 of the PRPS1 protein (p.Ser169Leu). This variant is not present in population databases (gnomAD no frequency). This missense change has been observed in individual(s) with PRPS1-related conditions (Invitae). In at least one individual the variant was observed to be de novo. Advanced modeling of protein sequence and biophysical properties (such as structural, functional, and spatial information, amino acid conservation, physicochemical variation, residue mobility, and thermodynamic stability) performed at Invitae indicates that this missense variant is expected to disrupt PRPS1 protein function with a positive predictive value of 80%. For these reasons, this variant has been classified as Pathogenic.